The following is an entry in ClinVar:

NM_004560.4(ROR2):c.942T>G (p.His314Gln)

Gene: ROR2 (receptor tyrosine kinase like orphan receptor 2; minus strand). Cytogenetic location: 9q22.31.
Variant type: single nucleotide variant.
Coding change: c.942T>G on transcript NM_004560.4 (MANE Select); coding-DNA position 942, T replaced by G.
Protein change: p.His314Gln; replaces histidine 314 with glutamine.
Molecular consequence: missense variant.
Genome position (GRCh38, 1-based): chr9:91,731,151, A>C on the plus strand (T>G on the coding strand, the complement: ROR2 is on the minus strand). VCF-style: chr9-91731151-A-C. GRCh37 (hg19) VCF-style: chr9-94493433-A-C.
Other names: c.942T>G, p.His314Gln (NM_001318204.2); short protein forms H314Q.
Identifiers: ClinVar variation 4082779 (VCV004082779.1).
Genomic context (GRCh38, chr9:91,731,151, plus strand): 5'-GCCTGACTTGGTGGTGCTTGCCGTTCCTCTGTAATCCATGCCTGAGCCGTTATAGCACTG[A>C]TGGTCTGAACAAGGAAAACACGTTAGGAAAACCTCCGGGGTACAACAAAACCATTCTGCC-3'
Protein context (NP_004551.2, residues 304-324): GIPAERLGRY[His314Gln]QCYNGSGMDY

ClinVar aggregate classification (germline): Uncertain significance (1 of 4 stars; one submission).

Submission:

GeneDx
Classification: Uncertain significance. Last evaluated: 2025-03-07. Review status: criteria provided, single submitter. Criteria: GeneDx Variant Classification Process June 2021. Collection method: clinical testing. Allele origin: germline. Affected: yes.
Comment: Not observed at significant frequency in large population cohorts (gnomAD); In silico analysis supports a deleterious effect on splicing; In silico analysis indicates that this missense variant does not alter protein structure/function; Has not been previously published as pathogenic or benign to our knowledge